The following is an entry in ClinVar:

NM_007294.4(BRCA1):c.3944C>A (p.Pro1315His)

Genes: BRCA1 (BRCA1 DNA repair associated; minus strand), LOC126862571 (BRD4-independent group 4 enhancer GRCh37_chr17:41243136-41244335; plus strand). Cytogenetic location: 17q21.31.
Variant type: single nucleotide variant.
Coding change: c.3944C>A on transcript NM_007294.4 (MANE Select); coding-DNA position 3944, C replaced by A.
Protein change: p.Pro1315His; replaces proline 1315 with histidine.
Molecular consequence: missense variant. On other transcripts: intron variant (135).
Genome position (GRCh38, 1-based): chr17:43,091,587, G>T on the plus strand (C>A on the coding strand, the complement: BRCA1 is on the minus strand). VCF-style: chr17-43091587-G-T. GRCh37 (hg19) VCF-style: chr17-41243604-G-T.
Other names: c.3731C>A, p.Pro1244His (NM_001407571.1, NM_001407853.1, NM_001407894.1 and 9 more transcripts); c.3944C>A, p.Pro1315His (NM_001407581.1, NM_001407582.1, NM_001407583.1 and 30 more transcripts); c.3941C>A, p.Pro1314His (NM_001407587.1, NM_001407590.1, NM_001407591.1 and 22 more transcripts); c.3935C>A, p.Pro1312His (NM_001407646.1, NM_001407647.1); c.3821C>A, p.Pro1274His (NM_001407648.1, NM_001407664.1, NM_001407665.1 and 19 more transcripts); c.3818C>A, p.Pro1273His (NM_001407649.1, NM_001407670.1, NM_001407671.1 and 11 more transcripts); c.3866C>A, p.Pro1289His (NM_001407653.1, NM_001407654.1, NM_001407655.1 and 4 more transcripts); c.3863C>A, p.Pro1288His (NM_001407659.1, NM_001407660.1, NM_001407661.1 and 1 more transcripts); and 41 more; short protein forms P1315H, P1268H, P1226H, P1274H, P1288H, P1019H, P1188H, P1227H.
Identifiers: ClinVar variation 55057 (VCV000055057.8), dbSNP rs80357500, ClinGen allele CA002529.

ClinVar aggregate classification (germline): Conflicting classifications of pathogenicity. Review status: criteria provided, conflicting classifications (1 of 4 stars). 3 submissions from 3 submitters: Uncertain significance (1); Likely benign (1). 1 of the submissions does not count toward it. Last evaluated 2023-04-22.

Conditions:
Hereditary cancer-predisposing syndrome. Also called: Hereditary Cancer Syndrome; Hereditary neoplastic syndrome; Neoplastic Syndromes, Hereditary; Tumor predisposition. Identifiers: Orphanet 140162, MedGen C0027672, MeSH D009386, MONDO:0015356.
Hereditary breast ovarian cancer syndrome. Also called: BRCA1- and BRCA2-Associated Hereditary Breast and Ovarian Cancer; Hereditary breast and ovarian cancer syndrome; Hereditary breast and ovarian cancer syndrome (HBOC); Breast and ovarian cancer; Hereditary breast and/or ovarian cancer syndrome; Hereditary breast and ovarian cancer. Identifiers: Orphanet 145, MedGen C0677776, MeSH D061325, MONDO:0003582. Disease mechanism: loss of function.
Breast-ovarian cancer, familial, susceptibility to, 1 (BROVCA1). Also called: BRCA1 Hereditary Breast and Ovarian Cancer; OVARIAN CANCER, SUSCEPTIBILITY TO. Identifiers: Orphanet 145, MedGen C2676676, MONDO:0011450, OMIM 604370. Disease mechanism: loss of function.

Submissions (3):

Labcorp Genetics (formerly Invitae), Labcorp
Classification: Uncertain significance for Hereditary breast ovarian cancer syndrome. Last evaluated: 2023-04-22. Review status: criteria provided, single submitter. Criteria: Invitae Variant Classification Sherloc (09022015). Collection method: clinical testing. Allele origin: germline.
Comment: In summary, the available evidence is currently insufficient to determine the role of this variant in disease. Therefore, it has been classified as a Variant of Uncertain Significance. Advanced modeling of protein sequence and biophysical properties (such as structural, functional, and spatial information, amino acid conservation, physicochemical variation, residue mobility, and thermodynamic stability) performed at Invitae indicates that this missense variant is not expected to disrupt BRCA1 protein function. ClinVar contains an entry for this variant (Variation ID: 55057). This variant has not been reported in the literature in individuals affected with BRCA1-related conditions. This variant is not present in population databases (gnomAD no frequency). This sequence change replaces proline, which is neutral and non-polar, with histidine, which is basic and polar, at codon 1315 of the BRCA1 protein (p.Pro1315His).

University of Washington Department of Laboratory Medicine, University of Washington
Classification: Likely benign for Hereditary cancer-predisposing syndrome. Last evaluated: 2023-03-23. Review status: criteria provided, single submitter. Criteria: Dines et al. (Genet Med. 2020). Collection method: curation. Allele origin: germline.
Comment: Missense variant in a coldspot region where missense variants are very unlikely to be pathogenic (PMID:31911673).

BRCA1 coldspot (exon 11 using historical exon numbering). Reclassification based on statistical prior probability

Breast Cancer Information Core (BIC) (BRCA1)
Classification: Uncertain significance for Breast-ovarian cancer, familial 1. Last evaluated: 2004-11-25. Review status: no assertion criteria provided. Collection method: clinical testing. Allele origin: germline. Affected: yes. Observed: 1 variant allele. Not counted in ClinVar's aggregate classification.